The following is an entry in ClinVar:

ClinVar aggregate classification (germline): Uncertain significance (1 of 4 stars; one submission).

gnomAD v4.1: 1 of 1,608,232 alleles (0.000062%); highest among the groups gnomAD compares: Non-Finnish European, 0.000085%; no homozygotes.

Submission:

GeneDx
Classification: Uncertain significance. Last evaluated: 2024-09-16. Review status: criteria provided, single submitter. Criteria: GeneDx Variant Classification Process June 2021. Collection method: clinical testing. Allele origin: germline. Affected: yes.
Comment: Not observed at significant frequency in large population cohorts (gnomAD); In silico analysis supports that this missense variant has a deleterious effect on protein structure/function; Has not been previously published as pathogenic or benign to our knowledge

NM_007289.4(MME):c.1624G>C (p.Val542Leu)

Gene: MME (membrane metalloendopeptidase; plus strand). Cytogenetic location: 3q25.2.
Variant type: single nucleotide variant.
Coding change: c.1624G>C on transcript NM_007289.4 (MANE Select); coding-DNA position 1624, G replaced by C.
Protein change: p.Val542Leu; replaces valine 542 with leucine.
Molecular consequence: missense variant.
Genome position (GRCh38, 1-based): chr3:155,160,412, G>C. VCF-style: chr3-155160412-G-C. GRCh37 (hg19) VCF-style: chr3-154878201-G-C.
Other names: c.1624G>C, p.Val542Leu (NM_000902.5, NM_001354642.2, NM_001354643.1 and 2 more transcripts); short protein forms V542L.
Identifiers: ClinVar variation 2575701 (VCV002575701.2), dbSNP rs746784538, ClinGen allele CA86314921.
Genomic context (GRCh38, chr3:155,160,412, plus strand): 5'-GCAGTATCATTTGTAAAGAGTTCTTATGTTTTCTACAGGTGGATAAGTGGAGCAGCTGTA[G>C]TCAATGCATTTTACTCTTCAGGAAGAAATCAGATAGGTAAGGTGTATTCTTAAATAATTA-3'
Protein context (NP_009220.2, residues 532-552): KDEWISGAAV[Val542Leu]NAFYSSGRNQ